The following is an entry in ClinVar:

ClinVar aggregate classification (germline): Conflicting classifications of pathogenicity. Review status: criteria provided, conflicting classifications (1 of 4 stars). 2 submissions from 2 submitters: Likely pathogenic (1); Uncertain significance (1). Last evaluated 2024-11-18.

Conditions:
Ehlers-Danlos syndrome, spondylodysplastic type, 2 (EDSSPD2). Also called: Ehlers-Danlos syndrome, progeroid type, 2. Identifiers: Orphanet 536467, Orphanet 75496, MedGen C3809210, MONDO:0014139, OMIM 615349.
Spondyloepimetaphyseal dysplasia with joint laxity (SEMDJL). Identifiers: MedGen C0432243, MONDO:0019675.

Allele frequency attached by ClinVar (database versions not stated): gnomAD exomes below 0.00001; TOPMed below 0.00001.

Submissions (2):

Labcorp Genetics (formerly Invitae), Labcorp
Classification: Uncertain significance for Ehlers-Danlos syndrome, spondylodysplastic type, 2; Spondyloepimetaphyseal dysplasia with joint laxity. Last evaluated: 2024-11-18. Review status: criteria provided, single submitter. Criteria: Invitae Variant Classification Sherloc (09022015). Collection method: clinical testing. Allele origin: germline.
Comment: This sequence change replaces serine, which is neutral and polar, with leucine, which is neutral and non-polar, at codon 319 of the B3GALT6 protein (p.Ser319Leu). This variant is not present in population databases (gnomAD no frequency). This variant has not been reported in the literature in individuals affected with B3GALT6-related conditions. ClinVar contains an entry for this variant (Variation ID: 1313270). An algorithm developed to predict the effect of missense changes on protein structure and function (PolyPhen-2) suggests that this variant is likely to be disruptive. In summary, the available evidence is currently insufficient to determine the role of this variant in disease. Therefore, it has been classified as a Variant of Uncertain Significance.

GeneDx
Classification: Likely pathogenic. Last evaluated: 2022-05-02. Review status: criteria provided, single submitter. Criteria: GeneDx Variant Classification Process June 2021. Collection method: clinical testing. Allele origin: germline. Affected: yes.
Comment: Has not been previously published as pathogenic or benign to our knowledge; Not observed at significant frequency in large population cohorts (gnomAD); In silico analysis supports that this missense variant has a deleterious effect on protein structure/function

NM_080605.4(B3GALT6):c.956C>T (p.Ser319Leu)

Gene: B3GALT6 (beta-1,3-galactosyltransferase 6; plus strand). Cytogenetic location: 1p36.33.
Variant type: single nucleotide variant.
Coding change: c.956C>T on transcript NM_080605.4 (MANE Select); coding-DNA position 956, C replaced by T.
Protein change: p.Ser319Leu; replaces serine 319 with leucine.
Molecular consequence: missense variant.
Genome position (GRCh38, 1-based): chr1:1,233,234, C>T. VCF-style: chr1-1233234-C-T. GRCh37 (hg19) VCF-style: chr1-1168614-C-T.
Other names: short protein forms S319L.
Identifiers: ClinVar variation 1313270 (VCV001313270.7), dbSNP rs988906237, ClinGen allele CA16755736.